The following is an entry in ClinVar:

ClinVar aggregate classification (germline): Likely benign (0 of 4 stars; one submission).

Conditions:
ZMYM3-related disorder. Also called: ZMYM3-related condition.

Allele frequency attached by ClinVar (database versions not stated): TOPMed 0.00004; ExAC 0.00005; gnomAD 0.00003; gnomAD exomes 0.00004.
gnomAD v4.1: 54 of 1,209,382 alleles (0.0045%); highest among the groups gnomAD compares: East Asian, 0.0059%; no homozygotes.

Submission:

PreventionGenetics, part of Exact Sciences
Classification: Likely benign for ZMYM3-related condition. Last evaluated: 2020-10-30. Review status: no assertion criteria provided. Collection method: clinical testing. Allele origin: germline.
Comment: This variant is classified as likely benign based on ACMG/AMP sequence variant interpretation guidelines (Richards et al. 2015 PMID: 25741868, with internal and published modifications).

NM_201599.3(ZMYM3):c.3135C>T (p.Ser1045=)

Gene: ZMYM3 (zinc finger MYM-type containing 3; minus strand). Cytogenetic location: Xq13.1.
Variant type: single nucleotide variant.
Coding change: c.3135C>T on transcript NM_201599.3 (MANE Select); coding-DNA position 3135, C replaced by T.
Protein change: p.Ser1045=; no amino-acid change (serine 1045 retained).
Molecular consequence: synonymous variant.
Genome position (GRCh38, 1-based): chrX:71,244,447, G>A on the plus strand (C>T on the coding strand, the complement: ZMYM3 is on the minus strand). VCF-style: chrX-71244447-G-A. GRCh37 (hg19) VCF-style: chrX-70464297-G-A.
Other names: c.3099C>T, p.Ser1033= (NM_001171162.1); c.3135C>T, p.Ser1045= (NM_005096.3).
Identifiers: ClinVar variation 3054618 (VCV003054618.2), dbSNP rs761169958, ClinGen allele CA10445498.